The following is an entry in ClinVar:

NM_001323289.2(CDKL5):c.2308C>A (p.Gln770Lys)

Gene: CDKL5 (cyclin dependent kinase like 5; plus strand). Cytogenetic location: Xp22.13.
Variant type: single nucleotide variant.
Coding change: c.2308C>A on transcript NM_001323289.2 (MANE Select); coding-DNA position 2308, C replaced by A.
Protein change: p.Gln770Lys; replaces glutamine 770 with lysine.
Molecular consequence: missense variant.
Genome position (GRCh38, 1-based): chrX:18,619,898, C>A. VCF-style: chrX-18619898-C-A. GRCh37 (hg19) VCF-style: chrX-18638018-C-A.
Other names: NM_001323289.2(CDKL5):c.2308C>A; p.Gln770Lys; c.2308C>A, p.Gln770Lys (NM_001037343.2, NM_003159.3); short protein forms Q770K.
Identifiers: ClinVar variation 189532 (VCV000189532.3), dbSNP rs786204954, ClinGen allele CA199333.

ClinVar aggregate classification (germline): Uncertain significance. Review status: criteria provided, single submitter (1 of 4 stars). 2 submissions from 2 submitters: Uncertain significance (1). 1 of the submissions does not count toward it. Last evaluated 2024-07-12.

Conditions:
CDKL5 disorder. Identifiers: MedGen CN296942, MONDO:0100039.

Submissions (2):

Centre for Population Genomics, CPG
Classification: Uncertain significance for CDKL5 disorder. Last evaluated: 2024-07-12. Review status: criteria provided, single submitter. Criteria: McKnight et al. (Hum Mutat. 2022). Collection method: curation. Allele origin: germline. Inheritance: X-linked inheritance.
Comment: This variant has been collected from RettBASE and curated to current modified ACMG/AMP criteria. Based on the classification scheme defined by the ClinGen Rett/Angelman-like Expert Panel for Rett/AS-like Disorders Specifications to the ACMG/AMP Variant Interpretation Guidelines VCEP 3.0, this variant is classified as a variant of uncertain significance. At least the following criteria are met: The variant is observed in at least 1 individual with no features of CDKL5 disorder (BS2_Supporting). PMID: 23064044 met Computational prediction analysis tools suggest no impact on gene product (REVEL score <= 0.15) (BP4). This variant is absent from gnomAD v4 (PM2_Supporting).

RettBASE
Classification: Benign. Last evaluated: 2014-05-09. Review status: no assertion criteria provided. Collection method: curation. Allele origin: maternal, unknown. Observed: 2 variant alleles. Not counted in ClinVar's aggregate classification.
Comment: In silico prediction: SIFT = tolerated, MutationTaster = polymorphism, PolyPhen2 = benign, AlignGVGD = benign (C0)

Literature cited by the submitters: PubMed 23064044 (cited by RettBASE).